The following is an entry in ClinVar:

ClinVar aggregate classification (germline): Uncertain significance. Review status: criteria provided, multiple submitters, no conflicts (2 of 4 stars). 2 submissions from 2 submitters: Uncertain significance (2). Last evaluated 2024-07-08.

Conditions:
Hereditary cancer-predisposing syndrome. Also called: Neoplastic Syndromes, Hereditary; Tumor predisposition; Hereditary Cancer Syndrome; Hereditary neoplastic syndrome. Identifiers: Orphanet 140162, MedGen C0027672, MeSH D009386, MONDO:0015356.

Allele frequency attached by ClinVar (database versions not stated): TOPMed 0.00001; gnomAD 0.00003.
gnomAD v4.1: 24 of 1,613,858 alleles (0.0015%); highest among the groups gnomAD compares: Non-Finnish European, 0.0019%; no homozygotes.

Submissions (2):

Labcorp Genetics (formerly Invitae), Labcorp
Classification: Uncertain significance. Last evaluated: 2024-07-08. Review status: criteria provided, single submitter. Criteria: Invitae Variant Classification Sherloc (09022015). Collection method: clinical testing. Allele origin: germline.
Comment: This sequence change replaces proline, which is neutral and non-polar, with alanine, which is neutral and non-polar, at codon 68 of the POLE protein (p.Pro68Ala). This variant is present in population databases (no rsID available, gnomAD 0.007%). This variant has not been reported in the literature in individuals affected with POLE-related conditions. ClinVar contains an entry for this variant (Variation ID: 473504). An algorithm developed to predict the effect of missense changes on protein structure and function (PolyPhen-2) suggests that this variant is likely to be tolerated. In summary, the available evidence is currently insufficient to determine the role of this variant in disease. Therefore, it has been classified as a Variant of Uncertain Significance.

Ambry Genetics
Classification: Uncertain significance for Hereditary cancer-predisposing syndrome. Last evaluated: 2024-06-08. Review status: criteria provided, single submitter. Criteria: Ambry Variant Classification Scheme 2023. Collection method: clinical testing. Allele origin: germline.
Comment: The p.P68A variant (also known as c.202C>G), located in coding exon 2 of the POLE gene, results from a C to G substitution at nucleotide position 202. The proline at codon 68 is replaced by alanine, an amino acid with highly similar properties. This amino acid position is conserved. In addition, the in silico prediction for this alteration is inconclusive. Since supporting evidence is limited at this time, the clinical significance of this alteration remains unclear.

NM_006231.4(POLE):c.202C>G (p.Pro68Ala)

Gene: POLE (DNA polymerase epsilon, catalytic subunit; minus strand). Cytogenetic location: 12q24.33.
Variant type: single nucleotide variant.
Coding change: c.202C>G on transcript NM_006231.4 (MANE Select); coding-DNA position 202, C replaced by G.
Protein change: p.Pro68Ala; replaces proline 68 with alanine.
Molecular consequence: missense variant.
Genome position (GRCh38, 1-based): chr12:132,681,140, G>C on the plus strand (C>G on the coding strand, the complement: POLE is on the minus strand). VCF-style: chr12-132681140-G-C. GRCh37 (hg19) VCF-style: chr12-133257726-G-C.
Other names: short protein forms P68A.
Identifiers: ClinVar variation 473504 (VCV000473504.12), dbSNP rs1408600144, ClinGen allele CA387369596.